The following is an entry in ClinVar:

ClinVar aggregate classification (germline): Benign (0 of 4 stars; one submission).

Conditions:
NLGN1-related disorder. Also called: NLGN1-related condition.

Allele frequency attached by ClinVar (database versions not stated): TOPMed 0.00004; ESP Exome Variant Server 0.00008; gnomAD 0.00021; gnomAD exomes 0.00026; ExAC 0.00077; 1000 Genomes Project 30x 0.00187; 1000 Genomes Project 0.00220.
gnomAD v4.1: 412 of 1,613,654 alleles (0.026%); highest among the groups gnomAD compares: South Asian, 0.42%; 4 homozygotes.

Submission:

PreventionGenetics, part of Exact Sciences
Classification: Benign for NLGN1-related condition. Last evaluated: 2019-02-20. Review status: no assertion criteria provided. Collection method: clinical testing. Allele origin: germline.
Comment: This variant is classified as benign based on ACMG/AMP sequence variant interpretation guidelines (Richards et al. 2015 PMID: 25741868, with internal and published modifications).

NM_001365925.2(NLGN1):c.348G>A (p.Val116=)

Gene: NLGN1 (neuroligin 1; plus strand). Cytogenetic location: 3q26.31.
Variant type: single nucleotide variant.
Coding change: c.348G>A on transcript NM_001365925.2 (MANE Select); coding-DNA position 348, G replaced by A.
Protein change: p.Val116=; no amino-acid change (valine 116 retained).
Molecular consequence: synonymous variant.
Genome position (GRCh38, 1-based): chr3:173,604,946, G>A. VCF-style: chr3-173604946-G-A. GRCh37 (hg19) VCF-style: chr3-173322736-G-A.
Other names: c.348G>A, p.Val116= (NM_001365923.2, NM_001365924.2, NM_001365926.2 and 11 more transcripts).
Identifiers: ClinVar variation 3057393 (VCV003057393.2), dbSNP rs150137049, ClinGen allele CA2708504.
Genomic context (GRCh38, chr3:173,604,946, plus strand): 5'-GCCTCCAGAACCACCATCTCCCTGGTCAGATATCAGAAATGCCACTCAATTTGCTCCTGT[G>A]TGTCCCCAGAATATCATTGATGGCAGATTGCCAGAAGTCATGCTTCCTGTGTGGTTTACT-3'
Protein context (NP_001352854.1, residues 106-126): DIRNATQFAP[Val116=]CPQNIIDGRL